The following is an entry in ClinVar:

NM_203447.4(DOCK8):c.197del (p.Gly66fs)

Genes: DOCK8 (dedicator of cytokinesis 8; plus strand), LOC126860552 (BRD4-independent group 4 enhancer GRCh37_chr9:285795-286994; plus strand). Cytogenetic location: 9p24.3.
Variant type: Deletion.
Coding change: c.197del on transcript NM_203447.4 (MANE Select); coding-DNA position 197, one base deleted (G; older notation c.197delG).
Protein change: p.Gly66fs; shifts the reading frame from glycine 66.
Molecular consequence: frameshift variant. On other transcripts: 5 prime UTR variant (2).
Genome position (GRCh38, 1-based): chr9:286,501, G deleted; the last of 2 consecutive G bases (chr9:286,500-286,501); deleting either gives the same sequence. VCF-style (leftmost placement, unchanged base first): chr9-286499-AG-A. GRCh37 (hg19) VCF-style: chr9-286499-AG-A.
Other names: c.-8del (NM_001190458.2, NM_001193536.2); c.197delG (NM_203447.3); short protein forms G66fs.
Identifiers: ClinVar variation 545914 (VCV000545914.2), dbSNP rs1554655653, ClinGen allele CA658821763.

ClinVar aggregate classification (germline): Likely pathogenic (1 of 4 stars; one submission).

Submission:

GeneDx
Classification: Likely pathogenic. Last evaluated: 2018-05-14. Review status: criteria provided, single submitter. Criteria: GeneDx Variant Classification (06012015). Collection method: clinical testing. Allele origin: germline. Affected: yes.
Comment: The c.197delG variant in the DOCK8 gene has not been reported previously as a pathogenic variant nor as a benign variant, to our knowledge. The c.197delG variant causes a frameshift starting with codon Glycine 66, changes this amino acid to an Aspartic acid residue, and creates a premature Stop codon at position 3 of the new reading frame, denoted p.Gly66AspfsX3. This variant is predicted to cause loss of normal protein function either through protein truncation or nonsense-mediated mRNA decay. The c.197delG variant is not observed in large population cohorts (Lek et al., 2016). We interpret c.197delG as a likely pathogenic variant.